The following is an entry in ClinVar:

NM_000548.5(TSC2):c.5193C>T (p.Asn1731=)

Gene: TSC2 (TSC complex subunit 2; plus strand). Cytogenetic location: 16p13.3.
Variant type: single nucleotide variant.
Coding change: c.5193C>T on transcript NM_000548.5 (MANE Select); coding-DNA position 5193, C replaced by T.
Protein change: p.Asn1731=; no amino-acid change (asparagine 1731 retained).
Molecular consequence: synonymous variant.
Genome position (GRCh38, 1-based): chr16:2,088,259, C>T. VCF-style: chr16-2088259-C-T. GRCh37 (hg19) VCF-style: chr16-2138260-C-T.
Other names: c.4992C>T, p.Asn1664= (NM_001077183.3); c.5124C>T, p.Asn1708= (NM_001114382.3); c.4884C>T, p.Asn1628= (NM_001318827.2); c.4848C>T, p.Asn1616= (NM_001318829.2); c.4461C>T, p.Asn1487= (NM_001318831.2); c.5025C>T, p.Asn1675= (NM_001318832.2); c.4995C>T, p.Asn1665= (NM_001363528.2); c.5061C>T, p.Asn1687= (NM_001370404.1); and 2 more.
Identifiers: ClinVar variation 825528 (VCV000825528.15), dbSNP rs753336580, ClinGen allele CA054368.

ClinVar aggregate classification (germline): Benign/Likely benign. Review status: criteria provided, multiple submitters, no conflicts (2 of 4 stars). 5 submissions from 5 submitters: Benign (1); Likely benign (4). Last evaluated 2025-06-20.

Conditions:
Isolated focal cortical dysplasia type II (FCORD2). Also called: CORTICAL DYSPLASIA OF TAYLOR; Focal cortical dysplasia type II. Identifiers: Orphanet 268994, MedGen C1846385, MONDO:0011818, OMIM 607341, HP:0032051.
Lymphangiomyomatosis (LAM). Also called: Lymphangioleiomyomatosis, somatic; Lymphangioleiomyomatosis. Identifiers: Orphanet 538, MedGen C0751674, MONDO:0011705, OMIM 606690.
Tuberous sclerosis 2 (TSC2). Identifiers: Orphanet 805, MedGen C1860707, MONDO:0013199, OMIM 613254.
Tuberous sclerosis syndrome (TSC). Also called: Tuberous Sclerosis Complex; Tuberous sclerosis. Identifiers: Orphanet 805, MedGen C0041341, MONDO:0001734.
Hereditary cancer-predisposing syndrome. Also called: Neoplastic Syndromes, Hereditary; Hereditary Cancer Syndrome; Hereditary neoplastic syndrome; Tumor predisposition. Identifiers: Orphanet 140162, MedGen C0027672, MeSH D009386, MONDO:0015356.

Allele frequency attached by ClinVar (database versions not stated): ExAC 0.00001; gnomAD 0.00001 and 0.00002; gnomAD exomes 0.00001; TOPMed 0.00001.
gnomAD v4.1: 3 of 1,600,626 alleles (0.00019%); highest among the groups gnomAD compares: African/African-American, 0.0028%; no homozygotes.

Submissions (5):

Labcorp Genetics (formerly Invitae), Labcorp
Classification: Likely benign for Tuberous sclerosis 2. Last evaluated: 2025-06-20. Review status: criteria provided, single submitter. Criteria: Invitae Variant Classification Sherloc (09022015). Collection method: clinical testing. Allele origin: germline.

Myriad Genetics, Inc.
Classification: Benign for Tuberous sclerosis 2. Last evaluated: 2025-06-06. Review status: criteria provided, single submitter. Criteria: Myriad Autosomal Dominant, Autosomal Recessive and X-Linked Classification Criteria (2023). Collection method: clinical testing. Allele origin: unknown.
Comment: This variant is considered benign. This variant is a silent/synonymous amino acid change and it is not expected to impact splicing.

All of Us Research Program, National Institutes of Health
Classification: Likely benign for Tuberous sclerosis syndrome. Last evaluated: 2024-07-10. Review status: criteria provided, single submitter. Criteria: ACMG Guidelines, 2015. Collection method: clinical testing. Allele origin: germline. Inheritance: Autosomal dominant inheritance. Observed: 1 variant allele, 1 heterozygote.
Comment: This study involves interpretation of variants in research participants for the purpose of population health screening. Participant phenotype was not available at the time of variant classification. Additional details can be found in publication PMID: 35346344, PMCID: PMC8962531

Fulgent Genetics
Classification: Likely benign for Lymphangiomyomatosis; Isolated focal cortical dysplasia type II; Tuberous sclerosis 2. Last evaluated: 2021-11-10. Review status: criteria provided, single submitter. Criteria: ACMG Guidelines, 2015. Collection method: clinical testing. Allele origin: unknown.

Ambry Genetics
Classification: Likely benign for Hereditary cancer-predisposing syndrome. Last evaluated: 2019-05-20. Review status: criteria provided, single submitter. Criteria: Ambry Variant Classification Scheme 2023. Collection method: clinical testing. Allele origin: germline.